The following is an entry in ClinVar:

NM_001687.5(ATP5F1D):c.346G>A (p.Ala116Thr)

Gene: ATP5F1D (ATP synthase F1 subunit delta; plus strand). Cytogenetic location: 19p13.3.
Variant type: single nucleotide variant.
Coding change: c.346G>A on transcript NM_001687.5 (MANE Select); coding-DNA position 346, G replaced by A.
Protein change: p.Ala116Thr; replaces alanine 116 with threonine.
Molecular consequence: missense variant.
Genome position (GRCh38, 1-based): chr19:1,244,147, G>A. VCF-style: chr19-1244147-G-A. GRCh37 (hg19) VCF-style: chr19-1244146-G-A.
Other names: c.346G>A, p.Ala116Thr (NM_001001975.2); c.346G>A (NM_001687.4); short protein forms A116T.
Identifiers: ClinVar variation 2062930 (VCV002062930.5), dbSNP rs35427793, ClinGen allele CA9040288.

ClinVar aggregate classification (germline): Uncertain significance. Review status: criteria provided, multiple submitters, no conflicts (2 of 4 stars). 2 submissions from 2 submitters: Uncertain significance (2). Last evaluated 2026-01-15.

Conditions:
Inborn genetic diseases. Identifiers: MedGen C0950123, MeSH D030342.

Allele frequency attached by ClinVar (database versions not stated): ExAC 0.00015; gnomAD 0.00033; TOPMed 0.00035; 1000 Genomes Project 0.00040; 1000 Genomes Project 30x 0.00047; ESP Exome Variant Server 0.00054.
gnomAD v4.1: 96 of 1,612,382 alleles (0.006%); highest among the groups gnomAD compares: African/African-American, 0.13%; no homozygotes.

Submissions (2):

Labcorp Genetics (formerly Invitae), Labcorp
Classification: Uncertain significance. Last evaluated: 2026-01-15. Review status: criteria provided, single submitter. Criteria: Invitae Variant Classification Sherloc (09022015). Collection method: clinical testing. Allele origin: germline.
Comment: This sequence change replaces alanine, which is neutral and non-polar, with threonine, which is neutral and polar, at codon 116 of the ATP5D protein (p.Ala116Thr). This variant is present in population databases (rs35427793, gnomAD 0.1%), and has an allele count higher than expected for a pathogenic variant. This variant has not been reported in the literature in individuals affected with ATP5D-related conditions. ClinVar contains an entry for this variant (Variation ID: 2062930). An algorithm developed to predict the effect of missense changes on protein structure and function (PolyPhen-2) suggests that this variant is likely to be disruptive. In summary, the available evidence is currently insufficient to determine the role of this variant in disease. Therefore, it has been classified as a Variant of Uncertain Significance.

Ambry Genetics
Classification: Uncertain significance for Inborn genetic diseases. Last evaluated: 2025-07-16. Review status: criteria provided, single submitter. Criteria: Ambry Variant Classification Scheme 2023. Collection method: clinical testing. Allele origin: germline.